The following is an entry in ClinVar:

ClinVar aggregate classification (germline): Uncertain significance. Review status: criteria provided, multiple submitters, no conflicts (2 of 4 stars). 2 submissions from 2 submitters: Uncertain significance (2). Last evaluated 2022-04-04.

Conditions:
Arrhythmogenic right ventricular dysplasia 8 (ARVD8). Also called: Arrhythmogenic Right Ventricular Dysplasia/Cardiomyopathy 8; ARRHYTHMOGENIC RIGHT VENTRICULAR DYSPLASIA, FAMILIAL, 8; ARRHYTHMOGENIC RIGHT VENTRICULAR CARDIOMYOPATHY 8. Identifiers: MedGen C1843896, MONDO:0011831, OMIM 607450.
Arrhythmogenic cardiomyopathy with wooly hair and keratoderma. Also called: Arrhythmogenic cardiomyopathy with woolly hair and keratoderma; PALMOPLANTAR KERATODERMA WITH LEFT VENTRICULAR CARDIOMYOPATHY AND WOOLLY HAIR; Carvajal syndrome; Dilated cardiomyopathy with woolly hair and keratoderma. Identifiers: Orphanet 65282, MedGen C1854063, MONDO:0011581, OMIM 605676.
Cardiovascular phenotype. Identifiers: MedGen CN230736.

Submissions (2):

Ambry Genetics
Classification: Uncertain significance for Cardiovascular phenotype. Last evaluated: 2022-04-04. Review status: criteria provided, single submitter. Criteria: Ambry Variant Classification Scheme 2023. Collection method: clinical testing. Allele origin: germline.
Comment: The p.D1491G variant (also known as c.4472A>G), located in coding exon 23 of the DSP gene, results from an A to G substitution at nucleotide position 4472. The aspartic acid at codon 1491 is replaced by glycine, an amino acid with similar properties. This amino acid position is conserved. In addition, this alteration is predicted to be tolerated by in silico analysis. Since supporting evidence is limited at this time, the clinical significance of this alteration remains unclear.

Labcorp Genetics (formerly Invitae), Labcorp
Classification: Uncertain significance for Arrhythmogenic cardiomyopathy with wooly hair and keratoderma; Arrhythmogenic right ventricular dysplasia 8. Last evaluated: 2021-09-01. Review status: criteria provided, single submitter. Criteria: Invitae Variant Classification Sherloc (09022015). Collection method: clinical testing. Allele origin: germline.
Comment: This sequence change replaces aspartic acid with glycine at codon 1491 of the DSP protein (p.Asp1491Gly). The aspartic acid residue is moderately conserved and there is a moderate physicochemical difference between aspartic acid and glycine. This variant is present in population databases (rs397516938, ExAC 0.002%). This variant has not been reported in the literature in individuals affected with DSP-related conditions. Algorithms developed to predict the effect of missense changes on protein structure and function are either unavailable or do not agree on the potential impact of this missense change (SIFT: "Deleterious"; PolyPhen-2: "Benign"; Align-GVGD: "Class C0"). In summary, the available evidence is currently insufficient to determine the role of this variant in disease. Therefore, it has been classified as a Variant of Uncertain Significance.

NM_004415.4(DSP):c.4472A>G (p.Asp1491Gly)

Gene: DSP (desmoplakin; plus strand). Cytogenetic location: 6p24.3.
Variant type: single nucleotide variant.
Coding change: c.4472A>G on transcript NM_004415.4 (MANE Select); coding-DNA position 4472, A replaced by G.
Protein change: p.Asp1491Gly; replaces aspartic acid 1491 with glycine.
Molecular consequence: missense variant. On other transcripts: intron variant (2).
Genome position (GRCh38, 1-based): chr6:7,580,662, A>G. VCF-style: chr6-7580662-A-G. GRCh37 (hg19) VCF-style: chr6-7580895-A-G.
Other names: c.4050+422A>G (NM_001319034.2); c.3582+890A>G (NM_001008844.3); short protein forms D1491G.
Identifiers: ClinVar variation 838415 (VCV000838415.6), dbSNP rs397516938, ClinGen allele CA041654.